The following is an entry in ClinVar:

NM_024426.6(WT1):c.70C>T (p.Arg24Cys)

Genes: WT1 (WT1 transcription factor; minus strand), LOC107982234 (WT1/WT1-AS bi-directional promoter region; plus strand). Cytogenetic location: 11p13.
Variant type: single nucleotide variant.
Coding change: c.70C>T on transcript NM_024426.6 (MANE Select); coding-DNA position 70, C replaced by T.
Protein change: p.Arg24Cys; replaces arginine 24 with cysteine.
Molecular consequence: missense variant. On other transcripts: non-coding transcript variant (1).
Genome position (GRCh38, 1-based): chr11:32,435,291, G>A on the plus strand (C>T on the coding strand, the complement: WT1 is on the minus strand). VCF-style: chr11-32435291-G-A. GRCh37 (hg19) VCF-style: chr11-32456837-G-A.
Other names: c.70C>T, p.Arg24Cys (NM_000378.6, NM_024424.5); short protein forms R24C.
Identifiers: ClinVar variation 241484 (VCV000241484.18), dbSNP rs878855086, ClinGen allele CA10582914.
Genomic context (GRCh38, chr11:32,435,291, plus strand): 5'-TGCCGCCCGGGTCCCGGACTCCCTGCTGCTCTGGCTGCTGTAGGCACCCAGGCCCGGAGC[G>A]GAGCGTGTGCTGAGACGCCGGCTCCGGGACACACGTGGAAGCCGGGTCCTGCAGCAAGAG-3'
Protein context (NP_077744.4, residues 14-34): VPEPASQHTL[Arg24Cys]SGPGCLQQPE

ClinVar aggregate classification (germline): Conflicting classifications of pathogenicity. Review status: criteria provided, conflicting classifications (1 of 4 stars). 5 submissions from 5 submitters: Uncertain significance (4); Likely benign (1). Last evaluated 2025-02-26.

Conditions:
Frasier syndrome. Identifiers: Orphanet 347, MedGen C0950122, MeSH D052159, MONDO:0007635, OMIM 136680.
Drash syndrome (DDS). Also called: NEPHROPATHY, WILMS TUMOR, AND GENITAL ANOMALIES; WILMS TUMOR AND PSEUDO- OR TRUE HERMAPHRODITISM. Identifiers: Orphanet 220, MedGen C0950121, MONDO:0008682, OMIM 194080.
Wilms tumor 1 (WT1). Also called: Wilms tumor, somatic. Identifiers: Orphanet 654, MedGen CN033288, MONDO:0008679, OMIM 194070.
11p partial monosomy syndrome (WAGR). Also called: WAGR syndrome; WAGR Complex; CHROMOSOME 11p13 DELETION SYNDROME; WAGR Spectrum Disorder. Identifiers: Orphanet 893, MedGen C0206115, MONDO:0008681, OMIM 194072.
Inborn genetic diseases. Identifiers: MedGen C0950123, MeSH D030342.

Allele frequency attached by ClinVar (database versions not stated): gnomAD 0.00003 and 0.00004; TOPMed 0.00003.
gnomAD v4.1: 18 of 1,533,586 alleles (0.0012%); highest among the groups gnomAD compares: African/African-American, 0.0069%; no homozygotes.

Submissions (5):

Ambry Genetics
Classification: Likely benign for Inborn genetic diseases. Last evaluated: 2025-02-26. Review status: criteria provided, single submitter. Criteria: Ambry Variant Classification Scheme 2023. Collection method: clinical testing. Allele origin: germline.

Labcorp Genetics (formerly Invitae), Labcorp
Classification: Uncertain significance for Wilms tumor 1; Drash syndrome; 11p partial monosomy syndrome; Frasier syndrome. Last evaluated: 2024-10-09. Review status: criteria provided, single submitter. Criteria: Invitae Variant Classification Sherloc (09022015). Collection method: clinical testing. Allele origin: germline.
Comment: This sequence change replaces arginine, which is basic and polar, with cysteine, which is neutral and slightly polar, at codon 19 of the WT1 protein (p.Arg19Cys). This variant is not present in population databases (gnomAD no frequency). This variant has not been reported in the literature in individuals affected with WT1-related conditions. ClinVar contains an entry for this variant (Variation ID: 241484). An algorithm developed to predict the effect of missense changes on protein structure and function outputs the following: PolyPhen-2: "Benign". The cysteine amino acid residue is found in multiple mammalian species, which suggests that this missense change does not adversely affect protein function. In summary, the available evidence is currently insufficient to determine the role of this variant in disease. Therefore, it has been classified as a Variant of Uncertain Significance.

Baylor Genetics
Classification: Uncertain significance for Drash syndrome. Last evaluated: 2023-10-26. Review status: criteria provided, single submitter. Criteria: ACMG Guidelines, 2015. Collection method: clinical testing. Allele origin: unknown.

GeneDx
Classification: Uncertain significance. Last evaluated: 2022-10-07. Review status: criteria provided, single submitter. Criteria: GeneDx Variant Classification Process June 2021. Collection method: clinical testing. Allele origin: germline. Affected: yes.
Comment: Not observed at significant frequency in large population cohorts (gnomAD); In silico analysis supports that this missense variant does not alter protein structure/function; Has not been previously published as pathogenic or benign to our knowledge

St. Jude Molecular Pathology, St. Jude Children's Research Hospital
Classification: Uncertain significance for Wilms tumor 1. Last evaluated: 2021-05-27. Review status: criteria provided, single submitter. Criteria: St. Jude Assertion Criteria 2020. Collection method: clinical testing. Allele origin: germline.
Comment: The WT1 c.55C>T (p.Arg19Cys) missense change is absent in gnomAD v2.1.1 (PM2_Supporting). Four of six in silico tools predict a benign effect of this variant on protein function (BP4), but to our knowledge these predictions have not been confirmed by functional assays. To our knowledge, this variant has not been reported in individuals with WT1-related conditions. In summary, this variant meets criteria to be classified as of uncertain significance based on the ACMG/AMP criteria: PM2_Supporting, BP4.